The following is an entry in ClinVar:

ClinVar aggregate classification (germline): Uncertain significance. Review status: criteria provided, multiple submitters, no conflicts (2 of 4 stars). 5 submissions from 5 submitters: Uncertain significance (5). Last evaluated 2025-04-10.

Conditions:
Ataxia-telangiectasia syndrome (AT). Also called: Ataxia-telangiectasia, complementation group E; Ataxia telangiectasia (A-T); LOUIS-BAR SYNDROME; Cerebello-oculocutaneous telangiectasia; Immunodeficiency with ataxia telangiectasia; Ataxia-telangiectasia, complementation group D. Identifiers: Orphanet 100, MedGen C0004135, MONDO:0008840, OMIM 208900.
ATM-related cancer predisposition. Also called: ATM-related cancer susceptibility. Identifiers: MedGen CN377759, MONDO:0700270.
Hereditary cancer-predisposing syndrome. Also called: Tumor predisposition; Hereditary Cancer Syndrome; Hereditary neoplastic syndrome; Neoplastic Syndromes, Hereditary. Identifiers: Orphanet 140162, MedGen C0027672, MeSH D009386, MONDO:0015356.

Allele frequency attached by ClinVar (database versions not stated): gnomAD exomes below 0.00001.
gnomAD v4.1: 2 of 1,614,134 alleles (0.00012%); no homozygotes.

Submissions (5):

Ambry Genetics
Classification: Uncertain significance for Hereditary cancer-predisposing syndrome. Last evaluated: 2025-04-10. Review status: criteria provided, single submitter. Criteria: Ambry Variant Classification Scheme 2023. Collection method: clinical testing. Allele origin: germline.
Comment: The p.C458Y variant (also known as c.1373G>A), located in coding exon 9 of the ATM gene, results from a G to A substitution at nucleotide position 1373. The cysteine at codon 458 is replaced by tyrosine, an amino acid with highly dissimilar properties. This variant has been identified with an ATM likely pathogenic variant in an individual with clinical features of ataxia-telangiectasia (Perez Maturo J et al. J Hum Genet, 2020 Oct;65:895-902; Perez Maturo J et al. Mov Disord Clin Pract, 2020 Aug;7:727-729; Salinas V et al. Am J Med Genet C Semin Med Genet, 2020 12;184:876-884). This amino acid position is highly conserved in available vertebrate species. In addition, this alteration is predicted to be deleterious by in silico analysis. Based on the available evidence, the clinical significance of this variant remains unclear.

Hema, HEMA – Genetic and Molecular Diagnostic Laboratory
Classification: Uncertain significance for ATM-related cancer predisposition. Last evaluated: 2025-04-02. Review status: criteria provided, single submitter. Criteria: HEMA Variant Classification Assertion Criteria. Collection method: clinical testing. Allele origin: germline.
Comment: The c.1373G>A variant is a transition from guanine to adenine, resulting in the substitution of cysteine 458 with tyrosine in the ATM protein. PM2_Supporting: Absent in gnomAD v2.1.1 and present at very low frequency in gnomAD v4.1.0. PM3_Strong: The variant has been reported in the heterozygous state with a likely pathogenic variant in an individual with ataxia-telangiectasia (PMID: 32775531, 32488064).

Labcorp Genetics (formerly Invitae), Labcorp
Classification: Uncertain significance for Ataxia-telangiectasia syndrome. Last evaluated: 2024-03-17. Review status: criteria provided, single submitter. Criteria: Invitae Variant Classification Sherloc (09022015). Collection method: clinical testing. Allele origin: germline.
Comment: This sequence change replaces cysteine, which is neutral and slightly polar, with tyrosine, which is neutral and polar, at codon 458 of the ATM protein (p.Cys458Tyr). This variant is not present in population databases (gnomAD no frequency). This missense change has been observed in individual(s) with ataxia-telangiectasia (PMID: 32488064, 32775531, 33084218). ClinVar contains an entry for this variant (Variation ID: 524415). An algorithm developed to predict the effect of missense changes on protein structure and function (PolyPhen-2) suggests that this variant is likely to be disruptive. In summary, the available evidence is currently insufficient to determine the role of this variant in disease. Therefore, it has been classified as a Variant of Uncertain Significance.

Color Diagnostics, LLC DBA Color Health
Classification: Uncertain significance for Hereditary cancer-predisposing syndrome. Last evaluated: 2022-11-22. Review status: criteria provided, single submitter. Criteria: ACMG Guidelines, 2015. Collection method: clinical testing. Allele origin: germline.
Comment: This missense variant replaces cysteine with tyrosine at codon 458 of the ATM protein. Computational prediction is inconclusive regarding the impact of this variant on protein structure and function (internally defined REVEL score threshold 0.5 < inconclusive < 0.7, PMID: 27666373). To our knowledge, functional studies have not been reported for this variant. This variant has been observed in the compound heterozygous in an individual affected with mild ataxia-telangiectasia (PMID: 32775531). This variant has not been identified in the general population by the Genome Aggregation Database (gnomAD). The available evidence is insufficient to determine the role of this variant in disease conclusively. Therefore, this variant is classified as a Variant of Uncertain Significance.

Blueprint Genetics
Classification: Uncertain significance. Last evaluated: 2021-12-14. Review status: criteria provided, single submitter. Criteria: ACMG Guidelines, 2015. Collection method: clinical testing. Allele origin: germline.

Literature cited by the submitters: PubMed 32488064 (cited by 3 submitters); PubMed 32775531 (cited by 4 submitters); PubMed 33084218 (cited by Ambry Genetics and Labcorp Genetics (formerly Invitae), Labcorp).

NM_000051.4(ATM):c.1373G>A (p.Cys458Tyr)

Gene: ATM (ATM serine/threonine kinase; plus strand). Cytogenetic location: 11q22.3.
Variant type: single nucleotide variant.
Coding change: c.1373G>A on transcript NM_000051.4 (MANE Select); coding-DNA position 1373, G replaced by A.
Protein change: p.Cys458Tyr; replaces cysteine 458 with tyrosine.
Molecular consequence: missense variant.
Genome position (GRCh38, 1-based): chr11:108,250,838, G>A. VCF-style: chr11-108250838-G-A. GRCh37 (hg19) VCF-style: chr11-108121565-G-A.
Other names: c.1373G>A, p.Cys458Tyr (NM_001351834.2); short protein forms C458Y.
Identifiers: ClinVar variation 524415 (VCV000524415.13), dbSNP rs1064796013, ClinGen allele CA382533840.